The following is an entry in ClinVar:

ClinVar aggregate classification (germline): Uncertain significance. Review status: criteria provided, multiple submitters, no conflicts (2 of 4 stars). 3 submissions from 3 submitters: Uncertain significance (3). Last evaluated 2026-03-01.

Allele frequency attached by ClinVar (database versions not stated): gnomAD 0.00003; TOPMed 0.00005.
gnomAD v4.1: 21 of 1,612,628 alleles (0.0013%); highest among the groups gnomAD compares: Middle Eastern, 0.033%; no homozygotes.

Submissions (3):

CeGaT Center for Human Genetics Tuebingen
Classification: Uncertain significance. Last evaluated: 2026-03-01. Review status: criteria provided, single submitter. Criteria: CeGaT Center For Human Genetics Tuebingen Variant Classification Criteria Version 2. Collection method: clinical testing. Allele origin: germline. Affected: yes. Observed: 1 variant allele.

Labcorp Genetics (formerly Invitae), Labcorp
Classification: Uncertain significance. Last evaluated: 2025-09-01. Review status: criteria provided, single submitter. Criteria: Invitae Variant Classification Sherloc (09022015). Collection method: clinical testing. Allele origin: germline.
Comment: This sequence change replaces alanine, which is neutral and non-polar, with valine, which is neutral and non-polar, at codon 1155 of the RIMS1 protein (p.Ala1155Val). This variant is present in population databases (no rsID available, gnomAD 0.004%). This variant has not been reported in the literature in individuals affected with RIMS1-related conditions. ClinVar contains an entry for this variant (Variation ID: 1514045). An algorithm developed to predict the effect of missense changes on protein structure and function (PolyPhen-2) suggests that this variant is likely to be disruptive. In summary, the available evidence is currently insufficient to determine the role of this variant in disease. Therefore, it has been classified as a Variant of Uncertain Significance.

Ambry Genetics
Classification: Uncertain significance. Last evaluated: 2023-12-20. Review status: criteria provided, single submitter. Criteria: Ambry Variant Classification Scheme 2023. Collection method: clinical testing. Allele origin: germline.

NM_014989.7(RIMS1):c.3464C>T (p.Ala1155Val)

Gene: RIMS1 (regulating synaptic membrane exocytosis 1; plus strand). Cytogenetic location: 6q13.
Variant type: single nucleotide variant.
Coding change: c.3464C>T on transcript NM_014989.7 (MANE Select); coding-DNA position 3464, C replaced by T.
Protein change: p.Ala1155Val; replaces alanine 1155 with valine.
Molecular consequence: missense variant. On other transcripts: intron variant (58).
Genome position (GRCh38, 1-based): chr6:72,274,414, C>T. VCF-style: chr6-72274414-C-T. GRCh37 (hg19) VCF-style: chr6-72984117-C-T.
Other names: c.1691C>T, p.Ala564Val (NM_001350415.2, NM_001350445.2); c.1694C>T, p.Ala565Val (NM_001350433.2); c.1628C>T, p.Ala543Val (NM_001350435.2); c.1622C>T, p.Ala541Val (NM_001350437.2); c.1559+8365C>T (NM_001350428.2, NM_001350459.2, NM_001350424.2 and 1 more transcripts); c.1556+8365C>T (NM_001350430.2, NM_001350421.2, NM_001350450.2); c.1706+8365C>T (NM_001350458.2); c.1628+8365C>T (NM_001350446.2, NM_001350442.2, NM_001350416.2 and 7 more transcripts); and 21 more; short protein forms A543V, A565V, A541V, A564V, A1155V.
Identifiers: ClinVar variation 1514045 (VCV001514045.13), dbSNP rs754554575, ClinGen allele CA140891918.
Genomic context (GRCh38, chr6:72,274,414, plus strand): 5'-GATGGTCCCCCTCCCTAGATAGGAGACGACCTCCTAGTCCCAGGATTCAAATCCAGCATG[C>T]GTCTCCGGAGAATGACAGGTACTAGTCAACTCCTCCTCACAGACAAGTGGCTTCTAGAAG-3'
Protein context (NP_055804.2, residues 1145-1165): PPSPRIQIQH[Ala1155Val]SPENDRHSRK